The following is an entry in ClinVar:

ClinVar aggregate classification (germline): Uncertain significance (1 of 4 stars; one submission).

gnomAD v4.1: 1 of 1,614,088 alleles (0.000062%); highest among the groups gnomAD compares: Non-Finnish European, 0.000085%; no homozygotes.

Submission:

Labcorp Genetics (formerly Invitae), Labcorp
Classification: Uncertain significance. Last evaluated: 2024-09-14. Review status: criteria provided, single submitter. Criteria: Invitae Variant Classification Sherloc (09022015). Collection method: clinical testing. Allele origin: germline.
Comment: This sequence change replaces arginine, which is basic and polar, with lysine, which is basic and polar, at codon 173 of the KANK4 protein (p.Arg173Lys). This variant is not present in population databases (gnomAD no frequency). This variant has not been reported in the literature in individuals affected with KANK4-related conditions. An algorithm developed to predict the effect of missense changes on protein structure and function outputs the following: PolyPhen-2: "Benign". The lysine amino acid residue is found in multiple mammalian species, which suggests that this missense change does not adversely affect protein function. In summary, the available evidence is currently insufficient to determine the role of this variant in disease. Therefore, it has been classified as a Variant of Uncertain Significance.

NM_181712.5(KANK4):c.518G>A (p.Arg173Lys)

Gene: KANK4 (KN motif and ankyrin repeat domains 4; minus strand). Cytogenetic location: 1p31.3.
Variant type: single nucleotide variant.
Coding change: c.518G>A on transcript NM_181712.5 (MANE Select); coding-DNA position 518, G replaced by A.
Protein change: p.Arg173Lys; replaces arginine 173 with lysine.
Molecular consequence: missense variant. On other transcripts: intron variant (1).
Genome position (GRCh38, 1-based): chr1:62,274,586, C>T on the plus strand (G>A on the coding strand, the complement: KANK4 is on the minus strand). VCF-style: chr1-62274586-C-T. GRCh37 (hg19) VCF-style: chr1-62740258-C-T.
Other names: c.17-2997G>A (NM_001320269.2); short protein forms R173K.
Identifiers: ClinVar variation 3717156 (VCV003717156.2).